The following is an entry in ClinVar:

NM_001367916.1(MAGT1):c.341T>C (p.Ile114Thr)

Gene: MAGT1 (magnesium transporter 1; minus strand). Cytogenetic location: Xq21.1.
Variant type: single nucleotide variant.
Coding change: c.341T>C on transcript NM_001367916.1 (MANE Select); coding-DNA position 341, T replaced by C.
Protein change: p.Ile114Thr; replaces isoleucine 114 with threonine.
Molecular consequence: missense variant.
Genome position (GRCh38, 1-based): chrX:77,870,857, A>G on the plus strand (T>C on the coding strand, the complement: MAGT1 is on the minus strand). VCF-style: chrX-77870857-A-G. GRCh37 (hg19) VCF-style: chrX-77126354-A-G.
Other names: c.437T>C, p.Ile146Thr (NM_032121.5); short protein forms I146T, I114T.
Identifiers: ClinVar variation 1514831 (VCV001514831.8), dbSNP rs2149023680, ClinGen allele CA413711167.
Genomic context (GRCh38, chrX:77,870,857, plus strand): 5'-AAAGATCTTACCATCTGAAATACATCAGAGCCTTCATCAAAATCCACCATGGCAAAAAAT[A>G]TCCTGTTGGTGAATGCACTGGAGTATCGCCAGGAGTTTGCCAGGATCTGGAATTCTTCAT-3'
Protein context (NP_001354845.1, residues 104-124): WRYSSAFTNR[Ile114Thr]FFAMVDFDEG

ClinVar aggregate classification (germline): Uncertain significance (1 of 4 stars; one submission).

Conditions:
X-linked immunodeficiency with magnesium defect, Epstein-Barr virus infection and neoplasia. Identifiers: Orphanet 317476, MedGen C3275445, MONDO:0010455, OMIM 300853.

Submission:

Labcorp Genetics (formerly Invitae), Labcorp
Classification: Uncertain significance for X-linked immunodeficiency with magnesium defect, Epstein-Barr virus infection and neoplasia. Last evaluated: 2020-11-16. Review status: criteria provided, single submitter. Criteria: Invitae Variant Classification Sherloc (09022015). Collection method: clinical testing. Allele origin: germline.
Comment: This sequence change replaces isoleucine with threonine at codon 146 of the MAGT1 protein (p.Ile146Thr). The isoleucine residue is moderately conserved and there is a moderate physicochemical difference between isoleucine and threonine. This variant is not present in population databases (ExAC no frequency). This variant has not been reported in the literature in individuals with MAGT1-related conditions. Algorithms developed to predict the effect of missense changes on protein structure and function are either unavailable or do not agree on the potential impact of this missense change (SIFT: "Deleterious"; PolyPhen-2: "Benign"; Align-GVGD: "Class C0"). In summary, the available evidence is currently insufficient to determine the role of this variant in disease. Therefore, it has been classified as a Variant of Uncertain Significance.